The following is an entry in ClinVar:

NM_019098.5(CNGB3):c.-4G>A

Gene: CNGB3 (cyclic nucleotide gated channel subunit beta 3; minus strand). Cytogenetic location: 8q21.3.
Variant type: single nucleotide variant.
Coding change: c.-4G>A on transcript NM_019098.5 (MANE Select); 4 bases upstream of the start codon, G replaced by A.
Molecular consequence: 5 prime UTR variant.
Genome position (GRCh38, 1-based): chr8:86,743,631, C>T on the plus strand (G>A on the coding strand, the complement: CNGB3 is on the minus strand). VCF-style: chr8-86743631-C-T. GRCh37 (hg19) VCF-style: chr8-87755859-C-T.
Identifiers: ClinVar variation 5003329 (VCV005003329.1).
Genomic context (GRCh38, chr8:86,743,631, plus strand): 5'-CTCATTGTTCTCTCCTATAGGCTTCACCTTGTTGACTTTTGTCAGCGATTTAAACATCTT[C>T]TCTGAGGTGGTTCTGAAAACCCTCTGTATTTATGACTGTGCCTTAAGGTAGAGAAATGTA-3'

ClinVar aggregate classification (germline): Uncertain significance (1 of 4 stars; one submission).

Conditions:
Achromatopsia 3 (ACHM3). Also called: PINGELAPESE BLINDNESS; TOTAL COLORBLINDNESS WITH MYOPIA; ROD MONOCHROMACY 1; ROD MONOCHROMATISM 1; ACHROMATOPSIA WITH MYOPIA. Identifiers: Orphanet 49382, MedGen C1849792, MONDO:0009875, OMIM 262300.

gnomAD v4.1: 20 of 1,613,764 alleles (0.0012%); highest among the groups gnomAD compares: Admixed American, 0.01%; no homozygotes.

Submission:

Myriad Genetics, Inc.
Classification: Uncertain significance for Achromatopsia 3. Last evaluated: 2025-09-02. Review status: criteria provided, single submitter. Criteria: Myriad Autosomal Dominant, Autosomal Recessive and X-Linked Classification Criteria (2023). Collection method: clinical testing. Allele origin: unknown.
Comment: NM_019098.4(CNGB3):c.-4G>A is a 5' non-coding variant classified as a variant of uncertain significance in the context of achromatopsia, CNGB3-related. c.-4G>A has not been observed in cases with relevant disease. Relevant functional assessments of this variant are not available in the literature. c.-4G>A has been observed in referenced population frequency databases. In summary, there is insufficient evidence to classify NM_019098.4(CNGB3):c.-4G>A as pathogenic or benign. Please note: this variant was assessed in the context of healthy population screening.